The following is an entry in ClinVar:

NM_002439.5(MSH3):c.2724A>G (p.Gln908=)

Gene: MSH3 (mutS homolog 3; plus strand). Cytogenetic location: 5q14.1.
Variant type: single nucleotide variant.
Coding change: c.2724A>G on transcript NM_002439.5 (MANE Select); coding-DNA position 2724, A replaced by G.
Protein change: p.Gln908=; no amino-acid change (glutamine 908 retained).
Molecular consequence: synonymous variant.
Genome position (GRCh38, 1-based): chr5:80,813,652, A>G. VCF-style: chr5-80813652-A-G. GRCh37 (hg19) VCF-style: chr5-80109471-A-G.
Identifiers: ClinVar variation 652781 (VCV000652781.12), dbSNP rs999762677, ClinGen allele CA121307419.
Genomic context (GRCh38, chr5:80,813,652, plus strand): 5'-AGAGAGAGTAATGATAATTACCGGACCAAACATGGGTGGAAAGAGCTCCTACATAAAACA[A>G]GTTGCATTGATTACCATCATGGCTCAGATTGGCTCCTATGTTCCTGCAGAAGAAGCGACA-3'
Protein context (NP_002430.3, residues 898-918): NMGGKSSYIK[Gln908=]VALITIMAQI

ClinVar aggregate classification (germline): Likely benign. Review status: criteria provided, multiple submitters, no conflicts (2 of 4 stars). 3 submissions from 3 submitters: Likely benign (3). Last evaluated 2026-07-29.

Conditions:
Hereditary cancer-predisposing syndrome. Also called: Neoplastic Syndromes, Hereditary; Tumor predisposition; Hereditary neoplastic syndrome; Hereditary Cancer Syndrome. Identifiers: Orphanet 140162, MedGen C0027672, MeSH D009386, MONDO:0015356.
MSH3-related disorder. Also called: MSH3-related condition.

Allele frequency attached by ClinVar (database versions not stated): gnomAD exomes below 0.00001; gnomAD 0.00001 and 0.00022; TOPMed 0.00020.
gnomAD v4.1: 37 of 1,614,080 alleles (0.0023%); highest among the groups gnomAD compares: Non-Finnish European, 0.00042%; 1 homozygote.

Submissions (3):

PreventionGenetics, part of Exact Sciences
Classification: Likely benign for MSH3-related condition. Last evaluated: 2026-07-29. Review status: criteria provided, single submitter. Criteria: ACMG Guidelines, 2015. Collection method: clinical testing. Allele origin: germline.
Comment: This variant is classified as likely benign based on ACMG/AMP sequence variant interpretation guidelines (Richards et al. 2015 PMID: 25741868, with internal and published modifications).

Labcorp Genetics (formerly Invitae), Labcorp
Classification: Likely benign. Last evaluated: 2025-12-22. Review status: criteria provided, single submitter. Criteria: Invitae Variant Classification Sherloc (09022015). Collection method: clinical testing. Allele origin: germline.

Ambry Genetics
Classification: Likely benign for Hereditary cancer-predisposing syndrome. Last evaluated: 2019-11-01. Review status: criteria provided, single submitter. Criteria: Ambry Variant Classification Scheme 2023. Collection method: clinical testing. Allele origin: germline.